The following is an entry in ClinVar:

NM_001846.4(COL4A2):c.1149G>A (p.Pro383=)

Gene: COL4A2 (collagen type IV alpha 2 chain; plus strand). Cytogenetic location: 13q34.
Variant type: single nucleotide variant.
Coding change: c.1149G>A on transcript NM_001846.4 (MANE Select); coding-DNA position 1149, G replaced by A.
Protein change: p.Pro383=; no amino-acid change (proline 383 retained).
Molecular consequence: synonymous variant.
Genome position (GRCh38, 1-based): chr13:110,449,749, G>A. VCF-style: chr13-110449749-G-A. GRCh37 (hg19) VCF-style: chr13-111102096-G-A.
Other names: c.1149G>A (NM_001846.3).
Identifiers: ClinVar variation 2964197 (VCV002964197.5), dbSNP rs1025280055, ClinGen allele CA256300978.

ClinVar aggregate classification (germline): Likely benign. Review status: criteria provided, single submitter (1 of 4 stars). 2 submissions from 2 submitters: Likely benign (1). 1 of the submissions does not count toward it. Last evaluated 2025-04-23.

Conditions:
COL4A2-related disorder. Also called: COL4A2-related disorders; COL4A2-related condition.

Allele frequency attached by ClinVar (database versions not stated): gnomAD 0.00002; gnomAD exomes 0.00001.
gnomAD v4.1: 20 of 1,548,912 alleles (0.0013%); highest among the groups gnomAD compares: Admixed American, 0.0098%; no homozygotes.

Submissions (2):

Labcorp Genetics (formerly Invitae), Labcorp
Classification: Likely benign. Last evaluated: 2025-04-23. Review status: criteria provided, single submitter. Criteria: Invitae Variant Classification Sherloc (09022015). Collection method: clinical testing. Allele origin: germline.

PreventionGenetics, part of Exact Sciences
Classification: Likely benign for COL4A2-related condition. Last evaluated: 2021-08-09. Review status: no assertion criteria provided. Collection method: clinical testing. Allele origin: germline. Not counted in ClinVar's aggregate classification.
Comment: This variant is classified as likely benign based on ACMG/AMP sequence variant interpretation guidelines (Richards et al. 2015 PMID: 25741868, with internal and published modifications).